The following is an entry in ClinVar:

NM_004211.5(SLC6A5):c.1597G>A (p.Val533Ile)

Gene: SLC6A5 (solute carrier family 6 member 5; plus strand). Cytogenetic location: 11p15.1.
Variant type: single nucleotide variant.
Coding change: c.1597G>A on transcript NM_004211.5 (MANE Select); coding-DNA position 1597, G replaced by A.
Protein change: p.Val533Ile; replaces valine 533 with isoleucine.
Molecular consequence: missense variant.
Genome position (GRCh38, 1-based): chr11:20,630,788, G>A. VCF-style: chr11-20630788-G-A. GRCh37 (hg19) VCF-style: chr11-20652334-G-A.
Other names: c.895G>A, p.Val299Ile (NM_001318369.2); c.1597G>A (NM_004211.3); short protein forms V533I, V299I.
Identifiers: ClinVar variation 1407153 (VCV001407153.7), dbSNP rs748281746, ClinGen allele CA5921511.
Genomic context (GRCh38, chr11:20,630,788, plus strand): 5'-AGCATCTTTGCCGGCTTCGTCATCTTCTCCGTTATCGGCTTCATGGCCAATGAACGCAAA[G>A]TCAACATTGAGAATGTGGCAGACCAAGGTACAGGACAGTTGTTACCCTGCTGTTGCAGGG-3'
Protein context (NP_004202.4, residues 523-543): VIGFMANERK[Val533Ile]NIENVADQGP

ClinVar aggregate classification (germline): Uncertain significance. Review status: criteria provided, multiple submitters, no conflicts (2 of 4 stars). 3 submissions from 3 submitters: Uncertain significance (3). Last evaluated 2022-10-17.

Conditions:
Inborn genetic diseases. Identifiers: MedGen C0950123, MeSH D030342.
Hyperekplexia 3 (HKPX3). Also called: HYPEREKPLEXIA 3, AUTOSOMAL RECESSIVE; HYPEREKPLEXIA 3, AUTOSOMAL DOMINANT. Identifiers: Orphanet 3197, MedGen C3553288, MONDO:0013827, OMIM 614618.

Allele frequency attached by ClinVar (database versions not stated): ExAC 0.00002; gnomAD exomes 0.00004 and 0.00010; TOPMed 0.00005; gnomAD 0.00008 and 0.00009.
gnomAD v4.1: 167 of 1,614,094 alleles (0.01%); highest among the groups gnomAD compares: Non-Finnish European, 0.012%; no homozygotes.

Submissions (3):

Labcorp Genetics (formerly Invitae), Labcorp
Classification: Uncertain significance for Hyperekplexia 3. Last evaluated: 2022-10-17. Review status: criteria provided, single submitter. Criteria: Invitae Variant Classification Sherloc (09022015). Collection method: clinical testing. Allele origin: germline.
Comment: This sequence change replaces valine, which is neutral and non-polar, with isoleucine, which is neutral and non-polar, at codon 533 of the SLC6A5 protein (p.Val533Ile). This variant is present in population databases (rs748281746, gnomAD 0.006%). This variant has not been reported in the literature in individuals affected with SLC6A5-related conditions. ClinVar contains an entry for this variant (Variation ID: 1407153). Algorithms developed to predict the effect of missense changes on protein structure and function (SIFT, PolyPhen-2, Align-GVGD) all suggest that this variant is likely to be tolerated. In summary, the available evidence is currently insufficient to determine the role of this variant in disease. Therefore, it has been classified as a Variant of Uncertain Significance.

Ambry Genetics
Classification: Uncertain significance for Inborn genetic diseases. Last evaluated: 2021-07-15. Review status: criteria provided, single submitter. Criteria: Ambry Variant Classification Scheme 2023. Collection method: clinical testing. Allele origin: germline.

Breakthrough Genomics
Classification: Uncertain significance. Review status: criteria provided, single submitter. Criteria: ACMG Guidelines, 2015. Collection method: not provided. Allele origin: germline. Inheritance: Autosomal recessive inheritance. Affected: yes.